The following is an entry in ClinVar:

ClinVar aggregate classification (germline): Pathogenic (1 of 4 stars; one submission).

Submission:

GeneDx
Classification: Pathogenic. Last evaluated: 2018-03-12. Review status: criteria provided, single submitter. Criteria: GeneDx Variant Classification (06012015). Collection method: clinical testing. Allele origin: germline. Affected: yes.
Comment: The Q175X variant in the EFTUD2 gene has not been reported previously as a pathogenic variant nor as a benign variant, to our knowledge. This variant is predicted to cause loss of normal protein function either through protein truncation or nonsense-mediated mRNA decay. The Q175X variant is not observed in large population cohorts (Lek et al., 2016). We interpret Q175X as a pathogenic variant.

NM_004247.4(EFTUD2):c.523C>T (p.Gln175Ter)

Gene: EFTUD2 (elongation factor Tu GTP binding domain containing 2; minus strand). Cytogenetic location: 17q21.31.
Variant type: single nucleotide variant.
Coding change: c.523C>T on transcript NM_004247.4 (MANE Select); coding-DNA position 523, C replaced by T.
Protein change: p.Gln175Ter; replaces glutamine 175 with a stop codon.
Molecular consequence: nonsense.
Genome position (GRCh38, 1-based): chr17:44,881,692, G>A on the plus strand (C>T on the coding strand, the complement: EFTUD2 is on the minus strand). VCF-style: chr17-44881692-G-A. GRCh37 (hg19) VCF-style: chr17-42959060-G-A.
Other names: c.418C>T, p.Gln140Ter (NM_001142605.2); c.523C>T, p.Gln175Ter (NM_001258353.2); c.493C>T, p.Gln165Ter (NM_001258354.2); short protein forms Q175*, Q140*, Q165*.
Identifiers: ClinVar variation 523812 (VCV000523812.2), dbSNP rs1555569283, ClinGen allele CA399823566.